The following is an entry in ClinVar:

ClinVar aggregate classification (germline): Uncertain significance. Review status: criteria provided, multiple submitters, no conflicts (2 of 4 stars). 2 submissions from 2 submitters: Uncertain significance (2). Last evaluated 2025-06-09.

Conditions:
Cardiac arrhythmia. Also called: Arrhythmia; Cardiac rhythm disease. Identifiers: MedGen C0003811, MONDO:0007263, HP:0011675.

Submissions (2):

Color Diagnostics, LLC DBA Color Health
Classification: Uncertain significance for Cardiac arrhythmia. Last evaluated: 2025-06-09. Review status: criteria provided, single submitter. Criteria: ACMG Guidelines, 2015. Collection method: clinical testing. Allele origin: germline.
Comment: This missense variant replaces glutamic acid with valine at codon 904 of the KCNH2 protein. Computational prediction suggests that this variant may have deleterious impact on protein structure and function. To our knowledge, functional studies have not been reported for this variant. This variant has not been reported in individuals affected with KCNH2-related disorders in the literature. This variant has not been identified in the general population by the Genome Aggregation Database (gnomAD). The available evidence is insufficient to determine the role of this variant in disease conclusively. Therefore, this variant is classified as a Variant of Uncertain Significance.

Eurofins Ntd Llc (ga)
Classification: Uncertain significance. Last evaluated: 2015-02-02. Review status: criteria provided, single submitter. Criteria: EGL Classification Definitions 2015. Collection method: clinical testing. Allele origin: germline. Observed: 1 variant allele, 1 heterozygote.

NM_000238.4(KCNH2):c.2711A>T (p.Glu904Val)

Gene: KCNH2 (potassium voltage-gated channel subfamily H member 2; minus strand). Cytogenetic location: 7q36.1.
Variant type: single nucleotide variant.
Coding change: c.2711A>T on transcript NM_000238.4 (MANE Select); coding-DNA position 2711, A replaced by T.
Protein change: p.Glu904Val; replaces glutamic acid 904 with valine.
Molecular consequence: missense variant.
Genome position (GRCh38, 1-based): chr7:150,947,860, T>A on the plus strand (A>T on the coding strand, the complement: KCNH2 is on the minus strand). VCF-style: chr7-150947860-T-A. GRCh37 (hg19) VCF-style: chr7-150644948-T-A.
Other names: c.1691A>T, p.Glu564Val (NM_172057.3); short protein forms E564V, E904V.
Identifiers: ClinVar variation 193977 (VCV000193977.6), dbSNP rs794727044, ClinGen allele CA007198.